The following is an entry in ClinVar:

ClinVar aggregate classification (germline): Pathogenic (1 of 4 stars; one submission).

Conditions:
Spermatogenic failure 18. Identifiers: MedGen C4539783, MONDO:0054615, OMIM 617576.
Ciliary dyskinesia, primary, 37 (CILD37). Also called: CILIARY DYSKINESIA, PRIMARY, 37, WITH OR WITHOUT SITUS INVERSUS. Identifiers: MedGen C4539798, MONDO:0033204, OMIM 617577.

Allele frequency attached by ClinVar (database versions not stated): gnomAD exomes below 0.00001; ExAC 0.00001; gnomAD 0.00001; TOPMed 0.00001.

Submission:

Labcorp Genetics (formerly Invitae), Labcorp
Classification: Pathogenic for Ciliary dyskinesia, primary, 37; Spermatogenic failure 18. Last evaluated: 2022-12-20. Review status: criteria provided, single submitter. Criteria: Invitae Variant Classification Sherloc (09022015). Collection method: clinical testing. Allele origin: germline.
Comment: This sequence change creates a premature translational stop signal (p.Leu3660Argfs*35) in the DNAH1 gene. It is expected to result in an absent or disrupted protein product. Loss-of-function variants in DNAH1 are known to be pathogenic (PMID: 27573432, 27798045). This variant is present in population databases (rs757847775, gnomAD 0.007%). This variant has not been reported in the literature in individuals affected with DNAH1-related conditions. Algorithms developed to predict the effect of sequence changes on RNA splicing suggest that this variant may create or strengthen a splice site. For these reasons, this variant has been classified as Pathogenic.

Literature cited by the submitters: PubMed 27573432; PubMed 27798045.

NM_015512.5(DNAH1):c.10979del (p.Leu3660fs)

Gene: DNAH1 (dynein axonemal heavy chain 1; plus strand). Cytogenetic location: 3p21.1.
Variant type: Deletion.
Coding change: c.10979del on transcript NM_015512.5 (MANE Select); coding-DNA position 10979, one base deleted (T; older notation c.10979delT).
Protein change: p.Leu3660fs; shifts the reading frame from leucine 3660.
Molecular consequence: frameshift variant.
Genome position (GRCh38, 1-based): chr3:52,395,318, T deleted. VCF-style (leftmost placement, unchanged base first): chr3-52395317-CT-C. GRCh37 (hg19) VCF-style: chr3-52429333-CT-C.
Other names: short protein forms L3660fs.
Identifiers: ClinVar variation 2937313 (VCV002937313.3), dbSNP rs757847775, ClinGen allele CA2436033.